The following is an entry in ClinVar:

ClinVar aggregate classification (germline): Uncertain significance (1 of 4 stars; one submission).

Conditions:
Renal cell carcinoma. Identifiers: Orphanet 217071, MedGen C0007134, MeSH D002292, MONDO:0005086, HP:0005584.

Submission:

Labcorp Genetics (formerly Invitae), Labcorp
Classification: Uncertain significance for Renal cell carcinoma. Last evaluated: 2022-06-08. Review status: criteria provided, single submitter. Criteria: Invitae Variant Classification Sherloc (09022015). Collection method: clinical testing. Allele origin: germline.
Comment: This variant is not present in population databases (gnomAD no frequency). This sequence change replaces glutamic acid, which is acidic and polar, with valine, which is neutral and non-polar, at codon 76 of the MET protein (p.Glu76Val). This variant has not been reported in the literature in individuals affected with MET-related conditions. In summary, the available evidence is currently insufficient to determine the role of this variant in disease. Therefore, it has been classified as a Variant of Uncertain Significance. Algorithms developed to predict the effect of missense changes on protein structure and function (SIFT, PolyPhen-2, Align-GVGD) all suggest that this variant is likely to be tolerated.

NM_000245.4(MET):c.227A>T (p.Glu76Val)

Gene: MET (MET proto-oncogene, receptor tyrosine kinase; plus strand). Cytogenetic location: 7q31.2.
Variant type: single nucleotide variant.
Coding change: c.227A>T on transcript NM_000245.4 (MANE Select); coding-DNA position 227, A replaced by T.
Protein change: p.Glu76Val; replaces glutamic acid 76 with valine.
Molecular consequence: missense variant. On other transcripts: intron variant (1).
Genome position (GRCh38, 1-based): chr7:116,699,311, A>T. VCF-style: chr7-116699311-A-T. GRCh37 (hg19) VCF-style: chr7-116339365-A-T.
Other names: c.227A>T, p.Glu76Val (NM_001127500.3, NM_001324401.3); c.-91+26734A>T (NM_001324402.2); short protein forms E76V.
Identifiers: ClinVar variation 2003211 (VCV002003211.4), dbSNP rs2116583368, ClinGen allele CA368968613.